The following is an entry in ClinVar:

ClinVar aggregate classification (germline): Pathogenic. Review status: criteria provided, multiple submitters, no conflicts (2 of 4 stars). 3 submissions from 3 submitters: Pathogenic (2). 1 of the submissions does not count toward it. Last evaluated 2025-09-03.

Conditions:
SLC20A2-related disorder. Also called: SLC20A2-related condition.
Idiopathic basal ganglia calcification 1 (PFBC1A). Also called: Fahr's syndrome; Familial Idiopathic Basal Ganglia Calcification 2; Cerebral calcification nonarteriosclerotic idiopathic adult-onset; Striopallidodentate calcinosis autosomal dominant adult-onset; Ferrocalcinosis, cerebrovascular; Fahr disease, familial (formerly). Identifiers: Orphanet 1980, MedGen C4551624, MONDO:0024538, OMIM 213600.

Allele frequency attached by ClinVar (database versions not stated): gnomAD exomes below 0.00001; ExAC 0.00001; gnomAD 0.00001; TOPMed 0.00001.
gnomAD v4.1: 4 of 1,613,614 alleles (0.00025%); highest among the groups gnomAD compares: Non-Finnish European, 0.00025%; no homozygotes.

Submissions (3):

Labcorp Genetics (formerly Invitae), Labcorp
Classification: Pathogenic. Last evaluated: 2025-09-03. Review status: criteria provided, single submitter. Criteria: Invitae Variant Classification Sherloc (09022015). Collection method: clinical testing. Allele origin: germline.
Comment: This sequence change replaces threonine, which is neutral and polar, with methionine, which is neutral and non-polar, at codon 115 of the SLC20A2 protein (p.Thr115Met). This variant is not present in population databases (gnomAD no frequency). This missense change has been observed in individual(s) with basal ganglia calcification syndrome (PMID: 24463626). It has also been observed to segregate with disease in related individuals. ClinVar contains an entry for this variant (Variation ID: 2735163). Invitae Evidence Modeling of protein sequence and biophysical properties (such as structural, functional, and spatial information, amino acid conservation, physicochemical variation, residue mobility, and thermodynamic stability) has been performed for this missense variant. However, the output from this modeling did not meet the statistical confidence thresholds required to predict the impact of this variant on SLC20A2 protein function. Experimental studies have shown that this missense change affects SLC20A2 function (PMID: 30704756). For these reasons, this variant has been classified as Pathogenic.

Sfax Medical Genetics Laboratory, Laboratoire Ksentini
Classification: Pathogenic for Idiopathic basal ganglia calcification 1. Last evaluated: 2025-07-24. Review status: criteria provided, single submitter. Criteria: ACMG Guidelines, 2015. Collection method: clinical testing. Allele origin: unknown. Inheritance: Autosomal recessive inheritance. Affected: yes. Observed: 1 homozygote.
Comment: The c.344C>T (p.Thr115Met) variant (rs775911275) in the SLC20A2 gene has been linked to autosomal dominant familial idiopathic basal ganglia calcification. It has been identified in the heterozygous state in multiple individuals from different families. This variant is reported in the gnomAD database with an allele frequency of 0.0013%. Homozygous variants in SLC20A2 have been reported in a few individuals and appear to be associated with a more severe clinical presentation (PMID: 34267336, 35881308, 36977836).

PreventionGenetics, part of Exact Sciences
Classification: Pathogenic for SLC20A2-related condition. Last evaluated: 2023-10-31. Review status: no assertion criteria provided. Collection method: clinical testing. Allele origin: germline. Not counted in ClinVar's aggregate classification.
Comment: The SLC20A2 c.344C>T variant is predicted to result in the amino acid substitution p.Thr115Met. This variant was reported to segregate in 6 affected family members with idiopathic basal ganglia calcification and was reported in an additional unrelated individual with brain calcification (Yamada et al 2014. PubMed ID: 24463626; Sekine SI et al 2019. PubMed ID: 30704756). Functional studies indicate this variant results in disrupted inorganic phosphate transport (Zhang X et al 2018. PubMed ID: 29351787). This variant has not been reported in a large population database, indicating this variant is rare. This variant is interpreted as pathogenic.

Literature cited by the submitters: PubMed 24463626 (cited by Labcorp Genetics (formerly Invitae), Labcorp); PubMed 30704756 (cited by Labcorp Genetics (formerly Invitae), Labcorp); PubMed 34267336 (cited by Sfax Medical Genetics Laboratory, Laboratoire Ksentini); PubMed 35881308 (cited by Sfax Medical Genetics Laboratory, Laboratoire Ksentini); PubMed 36977836 (cited by Sfax Medical Genetics Laboratory, Laboratoire Ksentini).

NM_001257180.2(SLC20A2):c.344C>T (p.Thr115Met)

Gene: SLC20A2 (solute carrier family 20 member 2; minus strand). Cytogenetic location: 8p11.21.
Variant type: single nucleotide variant.
Coding change: c.344C>T on transcript NM_001257180.2 (MANE Select); coding-DNA position 344, C replaced by T.
Protein change: p.Thr115Met; replaces threonine 115 with methionine.
Molecular consequence: missense variant.
Genome position (GRCh38, 1-based): chr8:42,465,863, G>A on the plus strand (C>T on the coding strand, the complement: SLC20A2 is on the minus strand). VCF-style: chr8-42465863-G-A. GRCh37 (hg19) VCF-style: chr8-42323381-G-A.
Other names: c.344C>T, p.Thr115Met (NM_001257181.2, NM_006749.5); c.344C>T (NM_001257180.1); short protein forms T115M.
Identifiers: ClinVar variation 2735163 (VCV002735163.6), dbSNP rs775911275, ClinGen allele CA4733604.